The following is an entry in ClinVar:

NM_022437.3(ABCG8):c.1648G>A (p.Ala550Thr)

Gene: ABCG8 (ATP binding cassette subfamily G member 8; plus strand). Cytogenetic location: 2p21.
Variant type: single nucleotide variant.
Coding change: c.1648G>A on transcript NM_022437.3 (MANE Select); coding-DNA position 1648, G replaced by A.
Protein change: p.Ala550Thr; replaces alanine 550 with threonine.
Molecular consequence: missense variant.
Genome position (GRCh38, 1-based): chr2:43,875,305, G>A. VCF-style: chr2-43875305-G-A. GRCh37 (hg19) VCF-style: chr2-44102444-G-A.
Other names: c.1645G>A, p.Ala549Thr (NM_001357321.2); c.1648G>A (NM_022437.2); short protein forms A550T, A549T.
Identifiers: ClinVar variation 501367 (VCV000501367.18), dbSNP rs149441561, ClinGen allele CA1637577.

ClinVar aggregate classification (germline): Conflicting classifications of pathogenicity. Review status: criteria provided, conflicting classifications (1 of 4 stars). 9 submissions from 9 submitters: Uncertain significance (8); Likely benign (1). Last evaluated 2026-06-12.

Conditions:
ABCG8-related disorder. Also called: ABCG8-related condition.
Sitosterolemia 1. Identifiers: MedGen C2749759, MONDO:0020747, OMIM 210250.
Cardiovascular phenotype. Identifiers: MedGen CN230736.

Allele frequency attached by ClinVar (database versions not stated): ExAC 0.00022; gnomAD 0.00023 and 0.00025; gnomAD exomes 0.00023; TOPMed 0.00025; ESP Exome Variant Server 0.00046.
gnomAD v4.1: 264 of 1,614,094 alleles (0.016%); highest among the groups gnomAD compares: Middle Eastern, 0.12%; no homozygotes.

Submissions (9):

PreventionGenetics, part of Exact Sciences
Classification: Uncertain significance for ABCG8-related condition. Last evaluated: 2026-06-12. Review status: criteria provided, single submitter. Criteria: ACMG Guidelines, 2015. Collection method: clinical testing. Allele origin: germline.
Comment: The ABCG8 c.1648G>A variant is predicted to result in the amino acid substitution p.Ala550Thr. To our knowledge, this variant has not been reported in the literature. This variant is reported in 0.13% of alleles in individuals of Ashkenazi Jewish descent in gnomAD. Although we suspect that this variant may be benign, at this time, the clinical significance of this variant is uncertain due to the absence of conclusive functional and genetic evidence.

Labcorp Genetics (formerly Invitae), Labcorp
Classification: Uncertain significance. Last evaluated: 2026-01-08. Review status: criteria provided, single submitter. Criteria: Invitae Variant Classification Sherloc (09022015). Collection method: clinical testing. Allele origin: germline.
Comment: This sequence change replaces alanine, which is neutral and non-polar, with threonine, which is neutral and polar, at codon 550 of the ABCG8 protein (p.Ala550Thr). This variant is present in population databases (rs149441561, gnomAD 0.1%). This variant has not been reported in the literature in individuals affected with ABCG8-related conditions. ClinVar contains an entry for this variant (Variation ID: 501367). Invitae Evidence Modeling of protein sequence and biophysical properties (such as structural, functional, and spatial information, amino acid conservation, physicochemical variation, residue mobility, and thermodynamic stability) indicates that this missense variant is not expected to disrupt ABCG8 protein function with a negative predictive value of 80%. In summary, the available evidence is currently insufficient to determine the role of this variant in disease. Therefore, it has been classified as a Variant of Uncertain Significance.

GeneDx
Classification: Uncertain significance. Last evaluated: 2025-06-23. Review status: criteria provided, single submitter. Criteria: GeneDx Variant Classification Process June 2021. Collection method: clinical testing. Allele origin: germline. Affected: yes.
Comment: Has not been previously published as pathogenic or benign to our knowledge; In silico analysis suggests that this missense variant does not alter protein structure/function

Ambry Genetics
Classification: Likely benign for Cardiovascular phenotype. Last evaluated: 2024-10-31. Review status: criteria provided, single submitter. Criteria: Ambry Variant Classification Scheme 2023. Collection method: clinical testing. Allele origin: germline.

Blueprint Genetics
Classification: Uncertain significance. Last evaluated: 2024-09-12. Review status: criteria provided, single submitter. Criteria: ACMG Guidelines, 2015. Collection method: clinical testing. Allele origin: germline.

Revvity Omics, Revvity
Classification: Uncertain significance for Sitosterolemia 1. Last evaluated: 2024-05-29. Review status: criteria provided, single submitter. Criteria: ACMG Guidelines, 2015. Collection method: clinical testing. Allele origin: germline.

Women's Health and Genetics/Laboratory Corporation of America, LabCorp
Classification: Uncertain significance. Last evaluated: 2023-07-18. Review status: criteria provided, single submitter. Criteria: LabCorp Variant Classification Summary - May 2015. Collection method: clinical testing. Allele origin: germline.

New York Genome Center
Classification: Uncertain significance for Sitosterolemia 1. Last evaluated: 2022-07-22. Review status: criteria provided, single submitter. Criteria: NYGC Assertion Criteria 2020. Collection method: clinical testing. Allele origin: germline. Observed: 1 heterozygote.

Eurofins Ntd Llc (ga)
Classification: Uncertain significance. Last evaluated: 2018-05-15. Review status: criteria provided, single submitter. Criteria: EGL ClinVar v180209 classification definitions. Collection method: clinical testing. Allele origin: germline. Observed: 4 variant alleles, 4 heterozygotes.